The following is an entry in ClinVar:

ClinVar aggregate classification (germline): Uncertain significance (1 of 4 stars; one submission).

Conditions:
Cardiovascular phenotype. Identifiers: MedGen CN230736.

Allele frequency attached by ClinVar (database versions not stated): gnomAD exomes below 0.00001.
gnomAD v4.1: 2 of 1,613,564 alleles (0.00012%); highest among the groups gnomAD compares: Non-Finnish European, 0.00017%; no homozygotes.

Submission:

Ambry Genetics
Classification: Uncertain significance for Cardiovascular phenotype. Last evaluated: 2020-01-06. Review status: criteria provided, single submitter. Criteria: Ambry Variant Classification Scheme 2023. Collection method: clinical testing. Allele origin: germline.
Comment: The p.N14354H variant (also known as c.43060A>C), located in coding exon 153 of the TTN gene, results from an A to C substitution at nucleotide position 43060. The asparagine at codon 14354 is replaced by histidine, an amino acid with similar properties. This amino acid position is highly conserved in available vertebrate species. In addition, this alteration is predicted to be tolerated by in silico analysis. Since supporting evidence is limited at this time, the clinical significance of this alteration remains unclear.

NM_001267550.2(TTN):c.70255A>C (p.Asn23419His)

Genes: TTN (titin; minus strand), TTN-AS1 (TTN antisense RNA 1; plus strand), LOC126806422 (BRD4-independent group 4 enhancer GRCh37_chr2:179440205-179441404; plus strand). Cytogenetic location: 2q31.2.
Variant type: single nucleotide variant.
Coding change: c.70255A>C on transcript NM_001267550.2 (MANE Select); coding-DNA position 70255, A replaced by C.
Protein change: p.Asn23419His; replaces asparagine 23419 with histidine.
Molecular consequence: missense variant.
Genome position (GRCh38, 1-based): chr2:178,575,877, T>G on the plus strand (A>C on the coding strand, the complement: TTN is on the minus strand). VCF-style: chr2-178575877-T-G. GRCh37 (hg19) VCF-style: chr2-179440604-T-G.
Other names: c.65332A>C, p.Asn21778His (NM_001256850.1); c.43060A>C, p.Asn14354His (NM_003319.4); c.62551A>C, p.Asn20851His (NM_133378.4); c.43435A>C, p.Asn14479His (NM_133432.3); c.43636A>C, p.Asn14546His (NM_133437.4); short protein forms N14546H, N23419H, N20851H, N14354H, N14479H, N21778H.
Identifiers: ClinVar variation 1739582 (VCV001739582.2), dbSNP rs2468701058, ClinGen allele CA349663796.